The following is an entry in ClinVar:

ClinVar aggregate classification (germline): Conflicting classifications of pathogenicity. Review status: criteria provided, conflicting classifications (1 of 4 stars). 2 submissions from 2 submitters: Pathogenic (1); Uncertain significance (1). Last evaluated 2026-05-28.

Conditions:
EGFR-related lung cancer (EGFR). Identifiers: MedGen CN130014.
Hereditary cancer-predisposing syndrome. Also called: Tumor predisposition; Hereditary neoplastic syndrome; Neoplastic Syndromes, Hereditary; Hereditary Cancer Syndrome. Identifiers: Orphanet 140162, MedGen C0027672, MeSH D009386, MONDO:0015356.

Submissions (2):

Ambry Genetics
Classification: Uncertain significance for Hereditary cancer-predisposing syndrome. Last evaluated: 2026-05-28. Review status: criteria provided, single submitter. Criteria: Ambry Variant Classification Scheme 2023. Collection method: clinical testing. Allele origin: germline.
Comment: The c.2956_2959delAGAA variant, located in coding exon 25 of the EGFR gene, results from a deletion of 4 nucleotides at nucleotide positions 2956 to 2959, causing a translational frameshift with a predicted alternate stop codon (p.R986Cfs*15). Although biallelic loss of function of EGFR are known to cause EGFR-related neonatal inflammatory skin and bowel disease, such associations with EGFR-related lung cancer have not been reported. Based on the supporting evidence, this variant is expected to be causative of EGFR-related neonatal inflammatory skin and bowel disease when present along with a second pathogenic variant on the other allele; however, its clinical significance for EGFR-related lung cancer is unclear.

Labcorp Genetics (formerly Invitae), Labcorp
Classification: Pathogenic for EGFR-related lung cancer. Last evaluated: 2024-01-09. Review status: criteria provided, single submitter. Criteria: Invitae Variant Classification Sherloc (09022015). Collection method: clinical testing. Allele origin: germline.
Comment: This sequence change creates a premature translational stop signal (p.Arg986Cysfs*15) in the EGFR gene. It is expected to result in an absent or disrupted protein product. Loss-of-function variants in EGFR are known to be pathogenic (PMID: 7630400, 28726809, 29899996). This variant is not present in population databases (gnomAD no frequency). This variant has not been reported in the literature in individuals affected with EGFR-related conditions. For these reasons, this variant has been classified as Pathogenic.

Literature cited by the submitters: PubMed 7630400 (cited by Labcorp Genetics (formerly Invitae), Labcorp); PubMed 28726809 (cited by Labcorp Genetics (formerly Invitae), Labcorp); PubMed 29899996 (cited by Labcorp Genetics (formerly Invitae), Labcorp).

NM_005228.5(EGFR):c.2956_2959del (p.Arg986fs)

Gene: EGFR (epidermal growth factor receptor; plus strand). Cytogenetic location: 7p11.2.
Variant type: Deletion.
Coding change: c.2956_2959del on transcript NM_005228.5 (MANE Select); coding-DNA positions 2956 to 2959, 4 bases deleted (AGAA; older notation c.2956_2959delAGAA).
Protein change: p.Arg986fs; shifts the reading frame from arginine 986.
Molecular consequence: frameshift variant.
Genome position (GRCh38, 1-based): chr7:55,201,197-55,201,200, AGAA deleted; deleting any 4 consecutive bases within chr7:55,201,194-55,201,200 gives the same sequence; the c. name uses the placement nearest the transcript's 3' end. VCF-style (leftmost placement, unchanged base first): chr7-55201193-TGAAA-T. GRCh37 (hg19) VCF-style: chr7-55268886-TGAAA-T.
Other names: c.2821_2824del, p.Arg941fs (NM_001346897.2, NM_001346899.2); c.2956_2959del, p.Arg986fs (NM_001346898.2); c.2797_2800del, p.Arg933fs (NM_001346900.2); c.2155_2158del, p.Arg719fs (NM_001346941.2); short protein forms R719fs, R941fs, R933fs, R986fs.
Identifiers: ClinVar variation 2708436 (VCV002708436.4), dbSNP rs2534866242, ClinGen allele CA2697557285.